The following is an entry in ClinVar:

NM_018723.4(RBFOX1):c.948C>G (p.Tyr316Ter)

Gene: RBFOX1 (RNA binding fox-1 homolog 1; plus strand). Cytogenetic location: 16p13.3.
Variant type: single nucleotide variant.
Coding change: c.948C>G on transcript NM_018723.4 (MANE Select); coding-DNA position 948, C replaced by G.
Protein change: p.Tyr316Ter; replaces tyrosine 316 with a stop codon.
Molecular consequence: nonsense.
Genome position (GRCh38, 1-based): chr16:7,676,791, C>G. VCF-style: chr16-7676791-C-G. GRCh37 (hg19) VCF-style: chr16-7726793-C-G.
Other names: c.1056C>G, p.Tyr352Ter (NM_001415892.1, NM_001415894.1, NM_001415898.1 and 1 more transcripts); c.1023C>G, p.Tyr341Ter (NM_001415893.1, NM_001415899.1, NM_001415901.1 and 1 more transcripts); c.1077C>G, p.Tyr359Ter (NM_001415895.1, NM_001308117.1, NM_001411047.1 and 1 more transcripts); c.1008C>G, p.Tyr336Ter (NM_001415896.1, NM_001415904.1); c.996C>G, p.Tyr332Ter (NM_001415897.1, NM_001415907.1); c.975C>G, p.Tyr325Ter (NM_001415900.1, NM_001415909.1); c.867C>G, p.Tyr289Ter (NM_001142333.2); c.948C>G, p.Tyr316Ter (NM_001142334.2, NM_001364800.2); and 13 more; short protein forms Y291*, Y309*, Y318*, Y332*, Y341*, Y359*, Y488*, Y352*.
Identifiers: ClinVar variation 2820149 (VCV002820149.3), dbSNP rs2509021983, ClinGen allele CA394684003.

ClinVar aggregate classification (germline): Uncertain significance (1 of 4 stars; one submission).

Conditions:
Idiopathic generalized epilepsy. Also called: EIG; Generalised epilepsy. Identifiers: MedGen C0270850, MONDO:0005579, OMIM 600669.

Submission:

Labcorp Genetics (formerly Invitae), Labcorp
Classification: Uncertain significance for Idiopathic generalized epilepsy. Last evaluated: 2023-06-29. Review status: criteria provided, single submitter. Criteria: Invitae Variant Classification Sherloc (09022015). Collection method: clinical testing. Allele origin: germline.
Comment: In summary, the available evidence is currently insufficient to determine the role of this variant in disease. Therefore, it has been classified as a Variant of Uncertain Significance. This variant has not been reported in the literature in individuals affected with RBFOX1-related conditions. This variant is not present in population databases (gnomAD no frequency). This sequence change creates a premature translational stop signal (p.Tyr337*) in the RBFOX1 gene. It is expected to result in an absent or disrupted protein product. However, the current clinical and genetic evidence is not sufficient to establish whether loss-of-function variants in RBFOX1 cause disease.